The following is an entry in ClinVar:

ClinVar aggregate classification (germline): Uncertain significance. Review status: criteria provided, multiple submitters, no conflicts (2 of 4 stars). 16 submissions from 16 submitters: Uncertain significance (13). 3 of the submissions do not count toward it. Last evaluated 2026-01-01.

Conditions:
Inborn genetic diseases. Identifiers: MedGen C0950123, MeSH D030342.
Spastic paraplegia. Identifiers: MedGen C0037772, HP:0001258.
Hereditary spastic paraplegia. Also called: Familial spastic paraparesis. Identifiers: Orphanet 685, MedGen C0037773, MONDO:0019064. Disease mechanism: loss of function.
Hereditary spastic paraplegia 15 (SPG15). Also called: SPASTIC PARAPLEGIA AND RETINAL DEGENERATION; SPASTIC PARAPLEGIA 15, AUTOSOMAL RECESSIVE; KJELLIN SYNDROME. Identifiers: Orphanet 100996, MedGen C1849128, MONDO:0010044, OMIM 270700.

Allele frequency attached by ClinVar (database versions not stated): ESP Exome Variant Server 0.00085; 1000 Genomes Project 30x 0.00016; 1000 Genomes Project 0.00020; ExAC 0.00027; gnomAD exomes 0.00037 and 0.00080; TOPMed 0.00042; gnomAD 0.00043 and 0.00045.
gnomAD v4.1: 1,207 of 1,612,254 alleles (0.075%); highest among the groups gnomAD compares: Non-Finnish European, 0.098%; 1 homozygote.

Submissions (16):

CeGaT Center for Human Genetics Tuebingen
Classification: Uncertain significance. Last evaluated: 2026-01-01. Review status: criteria provided, single submitter. Criteria: CeGaT Center For Human Genetics Tuebingen Variant Classification Criteria Version 2. Collection method: clinical testing. Allele origin: germline. Affected: yes. Observed: 2 variant alleles.
Comment: ZFYVE26: PM2:Supporting, BP4

Mayo Clinic Laboratories, Mayo Clinic
Classification: Uncertain significance. Last evaluated: 2025-07-09. Review status: criteria provided, single submitter. Criteria: ACMG Guidelines, 2015. Collection method: clinical testing. Allele origin: germline. Observed: 1 variant allele.
Comment: BP4_moderate

Blueprint Genetics
Classification: Uncertain significance. Last evaluated: 2024-11-08. Review status: criteria provided, single submitter. Criteria: ACMG Guidelines, 2015. Collection method: clinical testing. Allele origin: germline.

Women's Health and Genetics/Laboratory Corporation of America, LabCorp
Classification: Uncertain significance. Last evaluated: 2024-03-26. Review status: criteria provided, single submitter. Criteria: LabCorp Variant Classification Summary - May 2015. Collection method: clinical testing. Allele origin: germline.
Comment: Variant summary: ZFYVE26 c.5260G>A (p.Ala1754Thr) results in a non-conservative amino acid change in the encoded protein sequence. Four of five in-silico tools predict a benign effect of the variant on protein function. The variant allele was found at a frequency of 0.00037 in 248244 control chromosomes. This frequency does not allow conclusion about variant significance. To our knowledge, no occurrence of c.5260G>A in individuals affected with Hereditary Spastic Paraplegia 15 and no experimental evidence demonstrating its impact on protein function have been reported. ClinVar contains an entry for this variant (Variation ID: 219623). Based on the evidence outlined above, the variant was classified as uncertain significance.

GeneDx
Classification: Uncertain significance. Last evaluated: 2023-11-29. Review status: criteria provided, single submitter. Criteria: GeneDx Variant Classification Process June 2021. Collection method: clinical testing. Allele origin: germline. Affected: yes.
Comment: In silico analysis supports that this missense variant does not alter protein structure/function; This variant is associated with the following publications: (PMID: 26740555, 28719003)

Labcorp Genetics (formerly Invitae), Labcorp
Classification: Uncertain significance for Spastic paraplegia. Last evaluated: 2022-09-19. Review status: criteria provided, single submitter. Criteria: Invitae Variant Classification Sherloc (09022015). Collection method: clinical testing. Allele origin: germline.
Comment: This sequence change replaces alanine, which is neutral and non-polar, with threonine, which is neutral and polar, at codon 1754 of the ZFYVE26 protein (p.Ala1754Thr). This variant is present in population databases (rs146968463, gnomAD 0.07%). This variant has not been reported in the literature in individuals affected with ZFYVE26-related conditions. ClinVar contains an entry for this variant (Variation ID: 219623). Algorithms developed to predict the effect of missense changes on protein structure and function (SIFT, PolyPhen-2, Align-GVGD) all suggest that this variant is likely to be tolerated. In summary, the available evidence is currently insufficient to determine the role of this variant in disease. Therefore, it has been classified as a Variant of Uncertain Significance.

Ambry Genetics
Classification: Uncertain significance for Inborn genetic diseases. Last evaluated: 2021-06-11. Review status: criteria provided, single submitter. Criteria: Ambry Variant Classification Scheme 2023. Collection method: clinical testing. Allele origin: germline.

Victorian Clinical Genetics Services, Murdoch Childrens Research Institute
Classification: Uncertain significance for Hereditary spastic paraplegia 15. Last evaluated: 2020-05-25. Review status: criteria provided, single submitter. Criteria: ACMG Guidelines, 2015. Collection method: clinical testing. Allele origin: germline. Inheritance: Autosomal recessive inheritance.
Comment: A heterozygous missense variant was identified, NM_015346.3(ZFYVE26):c.5260G>A in exon 27 of 42 of the ZFYVE26 gene. This substitution is predicted to create a moderate amino acid change from an alanine to a threonine at position 1754 of the protein; NP_056161.2(ZFYVE26):p.(Ala1754Thr). The alanine at this position has low conservation (100 vertebrates, UCSC), and is located within the retinal superfamily domain (NCBI). In silico software predicts this variant to be tolerated (PolyPhen2, PROVEAN, MutationAssessor, FATHMM). The variant is present in the gnomAD population database at a global population frequency of 0.04% (104 heterozygotes, 0 homozygotes) with a European sub-population frequency of 0.07%. This variant has not previously been reported in clinical cases. Based on information available at the time of curation, this variant has been classified as a VUS with LOW CLINICAL RELEVANCE.

Genome Diagnostics Laboratory, The Hospital for Sick Children
Classification: Uncertain significance for Hereditary spastic paraplegia. Last evaluated: 2019-11-01. Review status: criteria provided, single submitter. Criteria: ACMG Guidelines, 2015. Collection method: clinical testing. Allele origin: germline. Affected: yes.

Knight Diagnostic Laboratories, Oregon Health and Sciences University
Classification: Uncertain significance for Spastic paraplegia 15, autosomal recessive. Last evaluated: 2019-09-06. Review status: criteria provided, single submitter. Criteria: ACMG Guidelines, 2015. Collection method: clinical testing. Allele origin: germline. Observed: 1 variant allele.

Fulgent Genetics
Classification: Uncertain significance for Hereditary spastic paraplegia 15. Last evaluated: 2018-10-31. Review status: criteria provided, single submitter. Criteria: ACMG Guidelines, 2015. Collection method: clinical testing. Allele origin: unknown.

Illumina Laboratory Services, Illumina
Classification: Uncertain significance for Hereditary spastic paraplegia 15. Last evaluated: 2018-01-12. Review status: criteria provided, single submitter. Criteria: ICSL Variant Classification Criteria 13 December 2019. Collection method: clinical testing. Allele origin: germline.

Athena Diagnostics
Classification: Uncertain significance. Last evaluated: 2017-02-01. Review status: criteria provided, single submitter. Criteria: Athena Diagnostics Criteria. Collection method: clinical testing. Allele origin: germline.

Clinical Genetics DNA and cytogenetics Diagnostics Lab, Erasmus MC, Erasmus Medical Center
Classification: Likely benign. Review status: no assertion criteria provided. Collection method: clinical testing. Allele origin: germline. Affected: yes. Study: VKGL Data-share Consensus. Not counted in ClinVar's aggregate classification.

Genome Diagnostics Laboratory, University Medical Center Utrecht
Classification: Likely benign. Review status: no assertion criteria provided. Collection method: clinical testing. Allele origin: germline. Affected: yes. Study: VKGL Data-share Consensus. Not counted in ClinVar's aggregate classification.

Laboratory of Diagnostic Genome Analysis, Leiden University Medical Center (LUMC)
Classification: Likely benign. Review status: no assertion criteria provided. Collection method: clinical testing. Allele origin: germline. Affected: yes. Study: VKGL Data-share Consensus. Not counted in ClinVar's aggregate classification.

NM_015346.4(ZFYVE26):c.5260G>A (p.Ala1754Thr)

Gene: ZFYVE26 (zinc finger FYVE-type containing 26; minus strand). Cytogenetic location: 14q24.1.
Variant type: single nucleotide variant.
Coding change: c.5260G>A on transcript NM_015346.4 (MANE Select); coding-DNA position 5260, G replaced by A.
Protein change: p.Ala1754Thr; replaces alanine 1754 with threonine.
Molecular consequence: missense variant.
Genome position (GRCh38, 1-based): chr14:67,775,076, C>T on the plus strand (G>A on the coding strand, the complement: ZFYVE26 is on the minus strand). VCF-style: chr14-67775076-C-T. GRCh37 (hg19) VCF-style: chr14-68241793-C-T.
Other names: short protein forms A1754T.
Identifiers: ClinVar variation 219623 (VCV000219623.59), dbSNP rs146968463, ClinGen allele CA348048.